The following is an entry in ClinVar:

ClinVar aggregate classification (germline): Pathogenic (1 of 4 stars; one submission).

Conditions:
Cohen syndrome (COH1). Also called: PEPPER SYNDROME; Cutis verticis gyrata, retinitis pigmentosa, and sensorineural deafness. Identifiers: Orphanet 193, MedGen C0265223, MONDO:0008999, OMIM 216550.

Submission:

Labcorp Genetics (formerly Invitae), Labcorp
Classification: Pathogenic for Cohen syndrome. Last evaluated: 2020-10-09. Review status: criteria provided, single submitter. Criteria: Invitae Variant Classification Sherloc (09022015). Collection method: clinical testing. Allele origin: germline.
Comment: For these reasons, this variant has been classified as Pathogenic. Loss-of-function variants in VPS13B are known to be pathogenic (PMID: 15141358, 16648375, 20461111). This variant has not been reported in the literature in individuals with VPS13B-related conditions. This variant is not present in population databases (ExAC no frequency). This sequence change creates a premature translational stop signal (p.Leu2846Phefs*24) in the VPS13B gene. It is expected to result in an absent or disrupted protein product.

Literature cited by the submitters: PubMed 15141358; PubMed 16648375; PubMed 20461111.

NM_152564.5(VPS13B):c.8461_8462del (p.Leu2821fs)

Gene: VPS13B (vacuolar protein sorting 13 homolog B; plus strand). Cytogenetic location: 8q22.2.
Variant type: Microsatellite.
Coding change: c.8461_8462del on transcript NM_152564.5 (MANE Select); coding-DNA positions 8461 to 8462, 2 bases deleted (CT; older notation c.8461_8462delCT).
Protein change: p.Leu2821fs; shifts the reading frame from leucine 2821.
Molecular consequence: frameshift variant.
Genome position (GRCh38, 1-based): chr8:99,818,728-99,818,729, CT deleted; deleting any 2 consecutive bases within chr8:99,818,726-99,818,729 gives the same sequence; the c. name uses the placement nearest the transcript's 3' end. VCF-style (leftmost placement, unchanged base first): chr8-99818725-CCT-C. GRCh37 (hg19) VCF-style: chr8-100830953-CCT-C.
Other names: c.8536_8537del, p.Leu2846fs (NM_017890.5); short protein forms L2821fs, L2846fs.
Identifiers: ClinVar variation 1073423 (VCV001073423.7), dbSNP rs2130813849, ClinGen allele CA2580617211.